The following is an entry in ClinVar:

NM_004667.6(HERC2):c.6592C>A (p.Pro2198Thr)

Gene: HERC2 (HECT and RLD domain containing E3 ubiquitin protein ligase 2; minus strand). Cytogenetic location: 15q13.1.
Variant type: single nucleotide variant.
Coding change: c.6592C>A on transcript NM_004667.6 (MANE Select); coding-DNA position 6592, C replaced by A.
Protein change: p.Pro2198Thr; replaces proline 2198 with threonine.
Molecular consequence: missense variant.
Genome position (GRCh38, 1-based): chr15:28,213,936, G>T on the plus strand (C>A on the coding strand, the complement: HERC2 is on the minus strand). VCF-style: chr15-28213936-G-T. GRCh37 (hg19) VCF-style: chr15-28459082-G-T.
Other names: short protein forms P2198T.
Identifiers: ClinVar variation 4532476 (VCV004532476.2).

ClinVar aggregate classification (germline): Uncertain significance. Review status: criteria provided, multiple submitters, no conflicts (2 of 4 stars). 2 submissions from 2 submitters: Uncertain significance (2). Last evaluated 2025-05-27.

gnomAD v4.1: 50 of 1,613,952 alleles (0.0031%); highest among the groups gnomAD compares: South Asian, 0.053%; no homozygotes.

Submissions (2):

GeneDx
Classification: Uncertain significance. Last evaluated: 2025-05-27. Review status: criteria provided, single submitter. Criteria: GeneDx Variant Classification Process June 2021. Collection method: clinical testing. Allele origin: germline. Affected: yes.
Comment: In silico analysis suggests that this missense variant does not alter protein structure/function; Has not been previously published as pathogenic or benign to our knowledge

Blueprint Genetics
Classification: Uncertain significance. Last evaluated: 2022-01-14. Review status: criteria provided, single submitter. Criteria: ACMG Guidelines, 2015. Collection method: clinical testing. Allele origin: germline.